The following is an entry in ClinVar:

ClinVar aggregate classification (germline): Pathogenic. Review status: criteria provided, single submitter (1 of 4 stars). 2 submissions from 2 submitters: Pathogenic (1). 1 of the submissions does not count toward it. Last evaluated 2025-10-15.

Conditions:
X-linked Emery-Dreifuss muscular dystrophy. Also called: Muscular dystrophy, tardive Emery-Dreifuss type, with contractures. Identifiers: Orphanet 261, Orphanet 98863, MedGen C0751337, MONDO:0010680.

Allele frequency attached by ClinVar (database versions not stated): gnomAD exomes below 0.00001; TOPMed below 0.00001; gnomAD 0.00001.

Submissions (2):

Labcorp Genetics (formerly Invitae), Labcorp
Classification: Pathogenic for X-linked Emery-Dreifuss muscular dystrophy. Last evaluated: 2025-10-15. Review status: criteria provided, single submitter. Criteria: Invitae Variant Classification Sherloc (09022015). Collection method: clinical testing. Allele origin: germline.
Comment: This sequence change creates a premature translational stop signal (p.Pro169Argfs*40) in the EMD gene. While this is not anticipated to result in nonsense mediated decay, it is expected to disrupt the last 86 amino acid(s) of the EMD protein. This variant is not present in population databases (gnomAD no frequency). This premature translational stop signal has been observed in individual(s) with Emery-Dreifuss muscular dystrophy (PMID: 7894480). This variant is also known as 564-565, 2 bp deletion. ClinVar contains an entry for this variant (Variation ID: 11171). This variant disrupts a region of the EMD protein in which other variant(s) (p.Leu217Profs*31) have been determined to be pathogenic (internal data). This suggests that this is a clinically significant region of the protein, and that variants that disrupt it are likely to be disease-causing. For these reasons, this variant has been classified as Pathogenic.

OMIM
Classification: Pathogenic for EMERY-DREIFUSS MUSCULAR DYSTROPHY, X-LINKED. Last evaluated: 1994-12-01. Review status: no assertion criteria provided. Collection method: literature only. Allele origin: germline. Not counted in ClinVar's aggregate classification.

Literature cited by the submitters: PubMed 7894480 (cited by Labcorp Genetics (formerly Invitae), Labcorp and OMIM).

NM_000117.3(EMD):c.506_507del (p.Pro169fs)

Gene: EMD (emerin; plus strand). Cytogenetic location: Xq28.
Variant type: Deletion.
Coding change: c.506_507del on transcript NM_000117.3 (MANE Select); coding-DNA positions 506 to 507, 2 bases deleted (CT; older notation c.506_507delCT).
Protein change: p.Pro169fs; shifts the reading frame from proline 169.
Molecular consequence: frameshift variant.
Genome position (GRCh38, 1-based): chrX:154,380,938-154,380,939, CT deleted. VCF-style (leftmost placement, unchanged base first): chrX-154380937-CCT-C. GRCh37 (hg19) VCF-style: chrX-153609297-CCT-C.
Other names: short protein forms P169fs.
Identifiers: ClinVar variation 11171 (VCV000011171.2), dbSNP rs1422834817, ClinGen allele CA873319138.